The following is an entry in ClinVar:

ClinVar aggregate classification (germline): Likely benign. Review status: criteria provided, multiple submitters, no conflicts (2 of 4 stars). 2 submissions from 2 submitters: Likely benign (2). Last evaluated 2025-11-12.

Conditions:
Hereditary motor and sensory neuropathy, Okinawa type (HMSNO). Also called: HEREDITARY MOTOR AND SENSORY NEUROPATHY, PROXIMAL TYPE. Identifiers: Orphanet 90117, MedGen C1858338, MONDO:0011468, OMIM 604484.
Hereditary spastic paraplegia 57. Also called: Spastic paraplegia 57, autosomal recessive. Identifiers: Orphanet 431329, MedGen C3714897, MONDO:0014295, OMIM 615658.

Allele frequency attached by ClinVar (database versions not stated): ExAC 0.00001; TOPMed 0.00001; gnomAD 0.00003.
gnomAD v4.1: 48 of 1,612,832 alleles (0.003%); highest among the groups gnomAD compares: Non-Finnish European, 0.004%; no homozygotes.

Submissions (2):

Labcorp Genetics (formerly Invitae), Labcorp
Classification: Likely benign for Hereditary motor and sensory neuropathy, Okinawa type; Hereditary spastic paraplegia 57. Last evaluated: 2025-11-12. Review status: criteria provided, single submitter. Criteria: Invitae Variant Classification Sherloc (09022015). Collection method: clinical testing. Allele origin: germline.

CeGaT Center for Human Genetics Tuebingen
Classification: Likely benign. Last evaluated: 2023-03-01. Review status: criteria provided, single submitter. Criteria: CeGaT Center For Human Genetics Tuebingen Variant Classification Criteria Version 2. Collection method: clinical testing. Allele origin: germline. Affected: yes. Observed: 1 variant allele.
Comment: TFG: BP4, BP7

NM_006070.6(TFG):c.337C>A (p.Arg113=)

Gene: TFG (trafficking from ER to golgi regulator; plus strand). Cytogenetic location: 3q12.2.
Variant type: single nucleotide variant.
Coding change: c.337C>A on transcript NM_006070.6 (MANE Select); coding-DNA position 337, C replaced by A.
Protein change: p.Arg113=; no amino-acid change (arginine 113 retained).
Molecular consequence: synonymous variant.
Genome position (GRCh38, 1-based): chr3:100,728,780, C>A. VCF-style: chr3-100728780-C-A. GRCh37 (hg19) VCF-style: chr3-100447624-C-A.
Other names: c.337C>A, p.Arg113= (NM_001007565.2, NM_001195478.2, NM_001195479.2).
Identifiers: ClinVar variation 1605342 (VCV001605342.32), dbSNP rs764959531, ClinGen allele CA2517053.